The following is an entry in ClinVar:

NM_001378452.1(ITPR1):c.2707A>G (p.Thr903Ala)

Gene: ITPR1 (inositol 1,4,5-trisphosphate receptor type 1; plus strand). Cytogenetic location: 3p26.1.
Variant type: single nucleotide variant.
Coding change: c.2707A>G on transcript NM_001378452.1 (MANE Select); coding-DNA position 2707, A replaced by G.
Protein change: p.Thr903Ala; replaces threonine 903 with alanine.
Molecular consequence: missense variant.
Genome position (GRCh38, 1-based): chr3:4,675,176, A>G. VCF-style: chr3-4675176-A-G. GRCh37 (hg19) VCF-style: chr3-4716860-A-G.
Other names: c.2707A>G, p.Thr903Ala (NM_001099952.4); c.2662A>G, p.Thr888Ala (NM_001168272.2, NM_002222.7); short protein forms T888A, T903A.
Identifiers: ClinVar variation 2312812 (VCV002312812.6), dbSNP rs772989366, ClinGen allele CA68822550.
Genomic context (GRCh38, chr3:4,675,176, plus strand): 5'-TCTGACCTTCTACGATTAACTAAGATCCTTCTGGCCATATTGGACTGTGTACATGTGACA[A>G]CAATCTTCCCCATTAGCAAGATGGCGAAAGGAGAAGAGAATAAAGGTAACAATGATGTGG-3'
Protein context (NP_001365381.1, residues 893-913): LAILDCVHVT[Thr903Ala]IFPISKMAKG

ClinVar aggregate classification (germline): Uncertain significance. Review status: criteria provided, multiple submitters, no conflicts (2 of 4 stars). 2 submissions from 2 submitters: Uncertain significance (2). Last evaluated 2025-08-23.

Conditions:
Inborn genetic diseases. Identifiers: MedGen C0950123, MeSH D030342.

Allele frequency attached by ClinVar (database versions not stated): gnomAD 0.00002.
gnomAD v4.1: 8 of 1,612,572 alleles (0.0005%); highest among the groups gnomAD compares: Non-Finnish European, 0.00068%; no homozygotes.

Submissions (2):

Ambry Genetics
Classification: Uncertain significance for Inborn genetic diseases. Last evaluated: 2025-08-23. Review status: criteria provided, single submitter. Criteria: Ambry Variant Classification Scheme 2023. Collection method: clinical testing. Allele origin: germline.

Labcorp Genetics (formerly Invitae), Labcorp
Classification: Uncertain significance. Last evaluated: 2023-05-01. Review status: criteria provided, single submitter. Criteria: Invitae Variant Classification Sherloc (09022015). Collection method: clinical testing. Allele origin: germline.
Comment: In summary, the available evidence is currently insufficient to determine the role of this variant in disease. Therefore, it has been classified as a Variant of Uncertain Significance. Advanced modeling of protein sequence and biophysical properties (such as structural, functional, and spatial information, amino acid conservation, physicochemical variation, residue mobility, and thermodynamic stability) performed at Invitae indicates that this missense variant is not expected to disrupt ITPR1 protein function. ClinVar contains an entry for this variant (Variation ID: 2312812). This variant has not been reported in the literature in individuals affected with ITPR1-related conditions. This variant is present in population databases (rs772989366, gnomAD 0.007%). This sequence change replaces threonine, which is neutral and polar, with alanine, which is neutral and non-polar, at codon 888 of the ITPR1 protein (p.Thr888Ala).